The following is an entry in ClinVar:

NM_001206999.2(CIT):c.5491G>A (p.Val1831Met)

Gene: CIT (citron rho-interacting serine/threonine kinase; minus strand). Cytogenetic location: 12q24.23.
Variant type: single nucleotide variant.
Coding change: c.5491G>A on transcript NM_001206999.2 (MANE Select); coding-DNA position 5491, G replaced by A.
Protein change: p.Val1831Met; replaces valine 1831 with methionine.
Molecular consequence: missense variant.
Genome position (GRCh38, 1-based): chr12:119,701,675, C>T on the plus strand (G>A on the coding strand, the complement: CIT is on the minus strand). VCF-style: chr12-119701675-C-T. GRCh37 (hg19) VCF-style: chr12-120139480-C-T.
Other names: c.5365G>A, p.Val1789Met (NM_007174.3); short protein forms V1831M, V1789M.
Identifiers: ClinVar variation 2352235 (VCV002352235.3), dbSNP rs768924501, ClinGen allele CA6820857.
Genomic context (GRCh38, chr12:119,701,675, plus strand): 5'-ACGACTCACCGTGGAAACACAGCAAGTACTCCTCTCGCTGCCCTGCGCTGTTCACCTGCA[C>T]GATTGAGACAGGGAAGCTGTTGGAAGAGGCGGCAAACACAGCAGGTGCCAAGGAATGGTC-3'
Protein context (NP_001193928.1, residues 1821-1841): ASSNSFPVSI[Val1831Met]QVNSAGQREE

ClinVar aggregate classification (germline): Uncertain significance. Review status: criteria provided, multiple submitters, no conflicts (2 of 4 stars). 2 submissions from 2 submitters: Uncertain significance (2). Last evaluated 2023-06-13.

Conditions:
Inborn genetic diseases. Identifiers: MedGen C0950123, MeSH D030342.

Allele frequency attached by ClinVar (database versions not stated): TOPMed 0.00001; ExAC 0.00002; gnomAD 0.00002; gnomAD exomes 0.00005.
gnomAD v4.1: 72 of 1,614,008 alleles (0.0045%); highest among the groups gnomAD compares: Admixed American, 0.0067%; no homozygotes.

Submissions (2):

GeneDx
Classification: Uncertain significance. Last evaluated: 2023-06-13. Review status: criteria provided, single submitter. Criteria: GeneDx Variant Classification Process June 2021. Collection method: clinical testing. Allele origin: germline. Affected: yes.
Comment: Not observed at significant frequency in large population cohorts (gnomAD); In silico analysis supports that this missense variant does not alter protein structure/function; Has not been previously published as pathogenic or benign to our knowledge

Ambry Genetics
Classification: Uncertain significance for Inborn genetic diseases. Last evaluated: 2021-05-03. Review status: criteria provided, single submitter. Criteria: Ambry Variant Classification Scheme 2023. Collection method: clinical testing. Allele origin: germline.